The following is an entry in ClinVar:

ClinVar aggregate classification (germline): Benign/Likely benign. Review status: criteria provided, multiple submitters, no conflicts (2 of 4 stars). 6 submissions from 6 submitters: Benign (1); Likely benign (5). Last evaluated 2026-01-15.

Conditions:
PLCB4-related disorder. Also called: PLCB4-related condition.
Auriculocondylar syndrome 2 (ARCND2A). Also called: AURICULOCONDYLAR SYNDROME 2A. Identifiers: Orphanet 137888, MedGen C3553404, MONDO:0013845, OMIM 614669.

Allele frequency attached by ClinVar (database versions not stated): TOPMed 0.00240; 1000 Genomes Project 30x 0.00250; 1000 Genomes Project 0.00260; gnomAD exomes 0.00274 and 0.00317; gnomAD 0.00275 and 0.00280; ExAC 0.00362; ESP Exome Variant Server 0.00369.
gnomAD v4.1: 4,431 of 1,600,878 alleles (0.28%); highest among the groups gnomAD compares: Middle Eastern, 1.8%; 18 homozygotes.

Submissions (6):

Labcorp Genetics (formerly Invitae), Labcorp
Classification: Likely benign. Last evaluated: 2026-01-15. Review status: criteria provided, single submitter. Criteria: Invitae Variant Classification Sherloc (09022015). Collection method: clinical testing. Allele origin: germline.

PreventionGenetics, part of Exact Sciences
Classification: Likely benign for PLCB4-related condition. Last evaluated: 2025-03-14. Review status: criteria provided, single submitter. Criteria: ACMG Guidelines, 2015. Collection method: clinical testing. Allele origin: germline.
Comment: This variant is classified as likely benign based on ACMG/AMP sequence variant interpretation guidelines (Richards et al. 2015 PMID: 25741868, with internal and published modifications).

Blueprint Genetics
Classification: Likely benign. Last evaluated: 2024-11-26. Review status: criteria provided, single submitter. Criteria: ACMG Guidelines, 2015. Collection method: clinical testing. Allele origin: germline.

CeGaT Center for Human Genetics Tuebingen
Classification: Likely benign. Last evaluated: 2024-03-01. Review status: criteria provided, single submitter. Criteria: CeGaT Center For Human Genetics Tuebingen Variant Classification Criteria Version 2. Collection method: clinical testing. Allele origin: germline. Affected: yes. Observed: 3 variant alleles.
Comment: PLCB4: BS2

Illumina Laboratory Services, Illumina
Classification: Benign for Auriculocondylar syndrome 2. Last evaluated: 2018-01-12. Review status: criteria provided, single submitter. Criteria: ICSL Variant Classification Criteria 13 December 2019. Collection method: clinical testing. Allele origin: germline.
Comment: This variant was observed in the ICSL laboratory as part of a predisposition screen in an ostensibly healthy population. It had not been previously curated by ICSL or reported in the Human Gene Mutation Database (HGMD: prior to June 1st, 2018), and was therefore a candidate for classification through an automated scoring system. Utilizing variant allele frequency, disease prevalence and penetrance estimates, and inheritance mode, an automated score was calculated to assess if this variant is too frequent to cause the disease. Based on the score and internal cut-off values, a variant classified as benign is not then subjected to further curation. The score for this variant resulted in a classification of benign for this disease.

Breakthrough Genomics
Classification: Likely benign. Review status: criteria provided, single submitter. Criteria: ACMG Guidelines, 2015. Collection method: not provided. Allele origin: germline. Inheritance: Autosomal dominant inheritance. Affected: yes.

NM_001377142.1(PLCB4):c.2858C>A (p.Ser953Tyr)

Gene: PLCB4 (phospholipase C beta 4; plus strand). Cytogenetic location: 20p12.2.
Variant type: single nucleotide variant.
Coding change: c.2858C>A on transcript NM_001377142.1 (MANE Select); coding-DNA position 2858, C replaced by A.
Protein change: p.Ser953Tyr; replaces serine 953 with tyrosine.
Molecular consequence: missense variant.
Genome position (GRCh38, 1-based): chr20:9,444,221, C>A. VCF-style: chr20-9444221-C-A. GRCh37 (hg19) VCF-style: chr20-9424868-C-A.
Other names: c.2822C>A, p.Ser941Tyr (NM_000933.4, NM_001377134.2, NM_001377135.1 and 2 more transcripts); c.2858C>A, p.Ser953Tyr (NM_001172646.2, NM_001377143.1); short protein forms S953Y, S941Y.
Identifiers: ClinVar variation 339584 (VCV000339584.40), dbSNP rs148347249, ClinGen allele CA9761511.
Genomic context (GRCh38, chr20:9,444,221, plus strand): 5'-CTATTTTTCTCCCAAAGGCTTACTTGAAGCATTTAAAGAAACAGCAGAAGGAGCTAAATT[C>A]TTTAAAGAAGAAACATGCAAAGGTACAGTGCTCTACAGCTACTATTTTGTGTTATGTATG-3'
Protein context (NP_001364071.1, residues 943-963): HLKKQQKELN[Ser953Tyr]LKKKHAKEHS